The following is an entry in ClinVar:

ClinVar aggregate classification (germline): Conflicting classifications of pathogenicity. Review status: criteria provided, conflicting classifications (1 of 4 stars). 2 submissions from 2 submitters: Uncertain significance (1); Likely benign (1). Last evaluated 2024-09-23.

Conditions:
Hereditary cancer-predisposing syndrome. Also called: Neoplastic Syndromes, Hereditary; Hereditary Cancer Syndrome; Hereditary neoplastic syndrome; Tumor predisposition. Identifiers: Orphanet 140162, MedGen C0027672, MeSH D009386, MONDO:0015356.

Submissions (2):

GeneDx
Classification: Uncertain significance. Last evaluated: 2024-09-23. Review status: criteria provided, single submitter. Criteria: GeneDx Variant Classification Process June 2021. Collection method: clinical testing. Allele origin: germline. Affected: yes.
Comment: Not observed at significant frequency in large population cohorts (gnomAD); In silico analysis indicates that this variant does not alter splicing; Has not been previously published as pathogenic or benign to our knowledge

Ambry Genetics
Classification: Likely benign for Hereditary cancer-predisposing syndrome. Last evaluated: 2023-06-01. Review status: criteria provided, single submitter. Criteria: Ambry Variant Classification Scheme 2023. Collection method: clinical testing. Allele origin: germline.

NM_002691.4(POLD1):c.2065C>A (p.Arg689=)

Gene: POLD1 (DNA polymerase delta 1, catalytic subunit; plus strand). Cytogenetic location: 19q13.33.
Variant type: single nucleotide variant.
Coding change: c.2065C>A on transcript NM_002691.4 (MANE Select); coding-DNA position 2065, C replaced by A.
Protein change: p.Arg689=; no amino-acid change (arginine 689 retained).
Molecular consequence: synonymous variant. On other transcripts: non-coding transcript variant (1).
Genome position (GRCh38, 1-based): chr19:50,409,577, C>A. VCF-style: chr19-50409577-C-A. GRCh37 (hg19) VCF-style: chr19-50912834-C-A.
Other names: c.2065C>A (NM_002691.3); c.2065C>A, p.Arg689= (NM_001256849.1); c.2143C>A, p.Arg715= (NM_001308632.1).
Identifiers: ClinVar variation 2563182 (VCV002563182.3), dbSNP rs747628342, ClinGen allele CA508185640.